The following is an entry in ClinVar:

NM_001369.3(DNAH5):c.5882+6G>A

Gene: DNAH5 (dynein axonemal heavy chain 5; minus strand). Cytogenetic location: 5p15.2.
Variant type: single nucleotide variant.
Coding change: c.5882+6G>A on transcript NM_001369.3 (MANE Select); 6 bases into the intron after coding-DNA position 5882, G replaced by A.
Molecular consequence: intron variant.
Genome position (GRCh38, 1-based): chr5:13,839,350, C>T on the plus strand (G>A on the coding strand, the complement: DNAH5 is on the minus strand). VCF-style: chr5-13839350-C-T. GRCh37 (hg19) VCF-style: chr5-13839459-C-T.
Other names: p.?.
Identifiers: ClinVar variation 414353 (VCV000414353.16), dbSNP rs377640010, ClinGen allele CA3203554.

ClinVar aggregate classification (germline): Likely benign. Review status: criteria provided, multiple submitters, no conflicts (2 of 4 stars). 5 submissions from 5 submitters: Likely benign (3). 2 of the submissions do not count toward it. Last evaluated 2026-01-28.

Conditions:
Primary ciliary dyskinesia. Also called: Ciliary dyskinesia. Identifiers: Orphanet 244, MedGen C0008780, MONDO:0016575, HP:0012265.

Allele frequency attached by ClinVar (database versions not stated): gnomAD exomes 0.00017 and 0.00044; ExAC 0.00054; 1000 Genomes Project 0.00120; 1000 Genomes Project 30x 0.00141; gnomAD 0.00143 and 0.00158; ESP Exome Variant Server 0.00154; TOPMed 0.00165.
gnomAD v4.1: 470 of 1,613,764 alleles (0.029%); highest among the groups gnomAD compares: African/African-American, 0.52%; 2 homozygotes.

Submissions (5):

Labcorp Genetics (formerly Invitae), Labcorp
Classification: Likely benign for Primary ciliary dyskinesia. Last evaluated: 2026-01-28. Review status: criteria provided, single submitter. Criteria: Invitae Variant Classification Sherloc (09022015). Collection method: clinical testing. Allele origin: germline.

Mayo Clinic Laboratories, Mayo Clinic
Classification: Likely benign. Last evaluated: 2025-10-19. Review status: criteria provided, single submitter. Criteria: ACMG Guidelines, 2015. Collection method: clinical testing. Allele origin: germline. Observed: 1 variant allele.
Comment: BS1, BP4, BP7

Blueprint Genetics
Classification: Likely benign. Last evaluated: 2024-10-15. Review status: criteria provided, single submitter. Criteria: ACMG Guidelines, 2015. Collection method: clinical testing. Allele origin: germline.

Clinical Genetics DNA and cytogenetics Diagnostics Lab, Erasmus MC, Erasmus Medical Center
Classification: Benign. Review status: no assertion criteria provided. Collection method: clinical testing. Allele origin: germline. Affected: yes. Study: VKGL Data-share Consensus. Not counted in ClinVar's aggregate classification.

Laboratory of Diagnostic Genome Analysis, Leiden University Medical Center (LUMC)
Classification: Likely benign. Review status: no assertion criteria provided. Collection method: clinical testing. Allele origin: germline. Affected: yes. Study: VKGL Data-share Consensus. Not counted in ClinVar's aggregate classification.